The following is an entry in ClinVar:

NM_001100913.3(PACS2):c.1230G>A (p.Arg410=)

Gene: PACS2 (phosphofurin acidic cluster sorting protein 2; plus strand). Cytogenetic location: 14q32.33.
Variant type: single nucleotide variant.
Coding change: c.1230G>A on transcript NM_001100913.3 (MANE Select); coding-DNA position 1230, G replaced by A.
Protein change: p.Arg410=; no amino-acid change (arginine 410 retained).
Molecular consequence: synonymous variant.
Genome position (GRCh38, 1-based): chr14:105,381,061, G>A. VCF-style: chr14-105381061-G-A. GRCh37 (hg19) VCF-style: chr14-105847398-G-A.
Other names: c.1005G>A, p.Arg335= (NM_001243127.3); c.1230G>A, p.Arg410= (NM_015197.4).
Identifiers: ClinVar variation 1911730 (VCV001911730.27), dbSNP rs1555411891, ClinGen allele CA488204217.

ClinVar aggregate classification (germline): Likely benign. Review status: criteria provided, multiple submitters, no conflicts (2 of 4 stars). 2 submissions from 2 submitters: Likely benign (2). Last evaluated 2024-01-29.

gnomAD v4.1: 1 of 1,612,442 alleles (0.000062%); highest among the groups gnomAD compares: East Asian, 0.0022%; no homozygotes.

Submissions (2):

Labcorp Genetics (formerly Invitae), Labcorp
Classification: Likely benign. Last evaluated: 2024-01-29. Review status: criteria provided, single submitter. Criteria: Invitae Variant Classification Sherloc (09022015). Collection method: clinical testing. Allele origin: germline.

CeGaT Center for Human Genetics Tuebingen
Classification: Likely benign. Last evaluated: 2024-01-01. Review status: criteria provided, single submitter. Criteria: CeGaT Center For Human Genetics Tuebingen Variant Classification Criteria Version 2. Collection method: clinical testing. Allele origin: germline. Affected: yes. Observed: 1 variant allele.
Comment: PACS2: PM2:Supporting, BP4, BP7